The following is an entry in ClinVar:

NM_130839.5(UBE3A):c.422A>T (p.Glu141Val)

Genes: SNHG14 (small nucleolar RNA host gene 14; plus strand), UBE3A (ubiquitin protein ligase E3A; minus strand). Cytogenetic location: 15q11.2.
Variant type: single nucleotide variant.
Coding change: c.422A>T on transcript NM_130839.5 (MANE Select); coding-DNA position 422, A replaced by T.
Protein change: p.Glu141Val; replaces glutamic acid 141 with valine.
Molecular consequence: missense variant. On other transcripts: non-coding transcript variant (1), intron variant (2).
Genome position (GRCh38, 1-based): chr15:25,371,752, T>A on the plus strand (A>T on the coding strand, the complement: UBE3A is on the minus strand). VCF-style: chr15-25371752-T-A. GRCh37 (hg19) VCF-style: chr15-25616899-T-A.
Other names: c.422A>T, p.Glu141Val (NM_001354505.1, NM_001354538.2, NM_001354545.2); c.362A>T, p.Glu121Val (NM_001354506.2, NM_001354507.2, NM_001354508.2 and 17 more transcripts); c.431A>T, p.Glu144Val (NM_000462.5); c.301+3713A>T (NM_001354551.2); c.361+3713A>T (NM_001354550.2); c.245A>T, p.Glu82Val (NM_001354546.2); short protein forms E121V, E141V, E144V, E82V.
Identifiers: ClinVar variation 1696546 (VCV001696546.1), dbSNP rs2152823762, ClinGen allele CA391355892.

ClinVar aggregate classification (germline): Uncertain significance (1 of 4 stars; one submission).

Conditions:
Angelman syndrome (AS). Also called: HAPPY PUPPET SYNDROME. Identifiers: Orphanet 72, MedGen C0162635, MONDO:0007113, OMIM 105830. Disease mechanism: loss of function. Inheritance: AS is caused by disruption of maternally imprinted UBE3A located within the 15q11.2-q13 Angelman syndrome/Prader-Willi syndrome (AS/PWS) region., imprinting disorder.

Submission:

New York Genome Center
Classification: Uncertain significance for Angelman syndrome. Last evaluated: 2021-07-16. Review status: criteria provided, single submitter. Criteria: NYGC Assertion Criteria 2020. Collection method: clinical testing. Allele origin: inherited. Observed: 1 heterozygote. Study: CSER-NYCKidSeq.
Comment: The inherited c.362A>T (p.Glu121Val) variant identified in the UBE3A gene substitutes a moderately conserved Glutamic acid for Valine atamino acid 121/853 (exon 4/11). This variant is absent from gnomAD(v3.1.1) suggesting it is not a common benign variant in the populations represented in that database. In silico algorithms predict this variant to be Tolerated (SIFT; score: 0.11) and Benign (REVEL; score: 0.099) to the function of the canonical transcript. This variant is absent from ClinVar and to our current knowledge has not been reported in affected individuals in the literature. The p.Glu121Val residue is within the N-terminal domain of UBE3A [PMID: 33607653]. Given the lack of compelling evidence for its pathogenicity, the inherited c.362A>T (p.Glu121Val) variant identified in the UBE3A gene is reported as a Variant of Uncertain Significance.